The following is an entry in ClinVar:

ClinVar aggregate classification (germline): Benign. Review status: criteria provided, single submitter (1 of 4 stars). 2 submissions from 2 submitters: Benign (1). 1 of the submissions does not count toward it. Last evaluated 2025-10-23.

Conditions:
Congenital myasthenic syndrome 8. Also called: MYASTHENIC SYNDROME, CONGENITAL, DUE TO AGRIN DEFICIENCY; Myasthenic syndrome, congenital, 8, with pre- and postsynaptic defects. Identifiers: Orphanet 590, MedGen C3808739, MONDO:0014052, OMIM 615120.
AGRN-related disorder. Also called: AGRN-related condition.

Allele frequency attached by ClinVar (database versions not stated): ExAC 0.00007; gnomAD exomes 0.00019; 1000 Genomes Project 0.00040; gnomAD 0.00066; TOPMed 0.00090.
gnomAD v4.1: 179 of 1,523,684 alleles (0.012%); highest among the groups gnomAD compares: African/African-American, 0.23%; 1 homozygote.

Submissions (2):

Labcorp Genetics (formerly Invitae), Labcorp
Classification: Benign for Congenital myasthenic syndrome 8. Last evaluated: 2025-10-23. Review status: criteria provided, single submitter. Criteria: Invitae Variant Classification Sherloc (09022015). Collection method: clinical testing. Allele origin: germline.

PreventionGenetics, part of Exact Sciences
Classification: Likely benign for AGRN-related condition. Last evaluated: 2019-08-20. Review status: no assertion criteria provided. Collection method: clinical testing. Allele origin: germline. Not counted in ClinVar's aggregate classification.
Comment: This variant is classified as likely benign based on ACMG/AMP sequence variant interpretation guidelines (Richards et al. 2015 PMID: 25741868, with internal and published modifications).

NM_198576.4(AGRN):c.4298+7G>A

Gene: AGRN (agrin; plus strand). Cytogenetic location: 1p36.33.
Variant type: single nucleotide variant.
Coding change: c.4298+7G>A on transcript NM_198576.4 (MANE Select); 7 bases into the intron after coding-DNA position 4298, G replaced by A.
Molecular consequence: intron variant.
Genome position (GRCh38, 1-based): chr1:1,049,066, G>A. VCF-style: chr1-1049066-G-A. GRCh37 (hg19) VCF-style: chr1-984446-G-A.
Other names: c.4298+7G>A (NM_001305275.2); c.3983+7G>A (NM_001364727.2).
Identifiers: ClinVar variation 706774 (VCV000706774.12), dbSNP rs201995572, ClinGen allele CA509381.